The following is an entry in ClinVar:

ClinVar aggregate classification (germline): Uncertain significance (1 of 4 stars; one submission).

Conditions:
Norman-Roberts syndrome (LIS2). Also called: Lissencephaly 2 (Norman-Roberts type). Identifiers: Orphanet 89844, MedGen C0796089, MONDO:0009760, OMIM 257320.
Familial temporal lobe epilepsy 7. Identifiers: Orphanet 101046, MedGen C4225327, MONDO:0014639, OMIM 616436.

Allele frequency attached by ClinVar (database versions not stated): gnomAD exomes below 0.00001.
gnomAD v4.1: 2 of 1,613,890 alleles (0.00012%); highest among the groups gnomAD compares: Non-Finnish European, 0.00017%; no homozygotes.

Submission:

Labcorp Genetics (formerly Invitae), Labcorp
Classification: Uncertain significance for Familial temporal lobe epilepsy 7; Norman-Roberts syndrome. Last evaluated: 2024-04-11. Review status: criteria provided, single submitter. Criteria: Invitae Variant Classification Sherloc (09022015). Collection method: clinical testing. Allele origin: germline.
Comment: This sequence change replaces proline, which is neutral and non-polar, with serine, which is neutral and polar, at codon 2241 of the RELN protein (p.Pro2241Ser). This variant is not present in population databases (gnomAD no frequency). This variant has not been reported in the literature in individuals affected with RELN-related conditions. ClinVar contains an entry for this variant (Variation ID: 1007837). Advanced modeling of protein sequence and biophysical properties (such as structural, functional, and spatial information, amino acid conservation, physicochemical variation, residue mobility, and thermodynamic stability) performed at Invitae indicates that this missense variant is not expected to disrupt RELN protein function with a negative predictive value of 80%. In summary, the available evidence is currently insufficient to determine the role of this variant in disease. Therefore, it has been classified as a Variant of Uncertain Significance.

NM_005045.4(RELN):c.6721C>T (p.Pro2241Ser)

Gene: RELN (reelin; minus strand). Cytogenetic location: 7q22.1.
Variant type: single nucleotide variant.
Coding change: c.6721C>T on transcript NM_005045.4 (MANE Select); coding-DNA position 6721, C replaced by T.
Protein change: p.Pro2241Ser; replaces proline 2241 with serine.
Molecular consequence: missense variant.
Genome position (GRCh38, 1-based): chr7:103,540,406, G>A on the plus strand (C>T on the coding strand, the complement: RELN is on the minus strand). VCF-style: chr7-103540406-G-A. GRCh37 (hg19) VCF-style: chr7-103180853-G-A.
Other names: c.6721C>T, p.Pro2241Ser (NM_173054.3); short protein forms P2241S.
Identifiers: ClinVar variation 1007837 (VCV001007837.8), dbSNP rs1830152580, ClinGen allele CA368770094.